The following is an entry in ClinVar:

ClinVar aggregate classification (germline): Uncertain significance (1 of 4 stars; one submission).

Submission:

Labcorp Genetics (formerly Invitae), Labcorp
Classification: Uncertain significance. Last evaluated: 2024-04-05. Review status: criteria provided, single submitter. Criteria: Invitae Variant Classification Sherloc (09022015). Collection method: clinical testing. Allele origin: germline.
Comment: This sequence change falls in intron 2 of the VPS33B gene. It does not directly change the encoded amino acid sequence of the VPS33B protein. It affects a nucleotide within the consensus splice site. This variant is not present in population databases (gnomAD no frequency). This variant has not been reported in the literature in individuals affected with VPS33B-related conditions. ClinVar contains an entry for this variant (Variation ID: 1487053). Variants that disrupt the consensus splice site are a relatively common cause of aberrant splicing (PMID: 17576681, 9536098). Algorithms developed to predict the effect of sequence changes on RNA splicing suggest that this variant may disrupt the consensus splice site. In summary, the available evidence is currently insufficient to determine the role of this variant in disease. Therefore, it has been classified as a Variant of Uncertain Significance.

Literature cited by the submitters: PubMed 17576681; PubMed 9536098.

NM_018668.5(VPS33B):c.177+3A>G

Gene: VPS33B (VPS33B late endosome and lysosome associated; minus strand). Cytogenetic location: 15q26.1.
Variant type: single nucleotide variant.
Coding change: c.177+3A>G on transcript NM_018668.5 (MANE Select); 3 bases into the intron after coding-DNA position 177, A replaced by G.
Molecular consequence: intron variant.
Genome position (GRCh38, 1-based): chr15:91,017,802, T>C on the plus strand (A>G on the coding strand, the complement: VPS33B is on the minus strand). VCF-style: chr15-91017802-T-C. GRCh37 (hg19) VCF-style: chr15-91561032-T-C.
Other names: c.97-778A>G (NM_001289148.1); c.-35+3A>G (NM_001289149.1).
Identifiers: ClinVar variation 1487053 (VCV001487053.6), dbSNP rs2151684530, ClinGen allele CA2573151489.